The following is an entry in ClinVar:

NM_001039617.2(ZDHHC19):c.120T>C (p.Phe40=)

Gene: ZDHHC19 (zDHHC palmitoyltransferase 19; minus strand). Cytogenetic location: 3q29.
Variant type: single nucleotide variant.
Coding change: c.120T>C on transcript NM_001039617.2 (MANE Select); coding-DNA position 120, T replaced by C.
Protein change: p.Phe40=; no amino-acid change (phenylalanine 40 retained).
Molecular consequence: synonymous variant. On other transcripts: non-coding transcript variant (2).
Genome position (GRCh38, 1-based): chr3:196,211,196, A>G on the plus strand (T>C on the coding strand, the complement: ZDHHC19 is on the minus strand). VCF-style: chr3-196211196-A-G. GRCh37 (hg19) VCF-style: chr3-195938067-A-G.
Other names: c.120T>C, p.Phe40= (NM_144637.2).
Identifiers: ClinVar variation 2654508 (VCV002654508.24), dbSNP rs2473978068, ClinGen allele CA437761168.

ClinVar aggregate classification (germline): Likely benign (1 of 4 stars; one submission).

Submission:

CeGaT Center for Human Genetics Tuebingen
Classification: Likely benign. Last evaluated: 2022-03-01. Review status: criteria provided, single submitter. Criteria: CeGaT Center For Human Genetics Tuebingen Variant Classification Criteria Version 2. Collection method: clinical testing. Allele origin: germline. Affected: yes. Observed: 1 variant allele.
Comment: ZDHHC19: BP4, BP7